The following is an entry in ClinVar:

ClinVar aggregate classification (germline): Uncertain significance (1 of 4 stars; one submission).

Conditions:
GNAS-related disorder. Identifiers: MedGen CN380105.

Submission:

PreventionGenetics, part of Exact Sciences
Classification: Uncertain significance for GNAS-related condition. Last evaluated: 2026-01-29. Review status: criteria provided, single submitter. Criteria: ACMG Guidelines, 2015. Collection method: clinical testing. Allele origin: germline.
Comment: The GNAS c.602delC variant is predicted to result in a frameshift and premature protein termination (p.Pro201Glnfs*66). Transcript NM_016592.3 only has one coding exon which encodes neuroendocrine secretory protein 55 (NESP55). This exon is located ~51kb upstream of the first exon of the primary transcript (NM_000516.5) of GNAS. This variant is reported in 0.029% of alleles in individuals of African descent in gnomAD. To our knowledge, only large deletions of this region are conclusively pathogenic for pseudohypoparathyroidism type-Ib (PHP-Ib) due to methylation defects (Turan and Bastepe. 2015. PubMed ID: 25851935). Although in some studies single nucleotide variants (SNVs) within this region have been reported in related diseases, the pathogenicity is still unknown (see for example in Table 3 of Long et al. 2018. PubMed ID: 30022773). Therefore, at this time, the clinical significance of this frameshift variant is uncertain due to the absence of conclusive functional and genetic evidence.

NM_016592.5(GNAS):c.602del (p.Pro201fs)

Genes: GNAS (GNAS complex locus; plus strand), GNAS-AS1 (GNAS antisense RNA 1; minus strand). Cytogenetic location: 20q13.32.
Variant type: Deletion.
Coding change: c.602del on transcript NM_016592.5 (MANE Plus Clinical); coding-DNA position 602, one base deleted (C; older notation c.602delC).
Protein change: p.Pro201fs; shifts the reading frame from proline 201.
Molecular consequence: frameshift variant. On other transcripts: 5 prime UTR variant (1).
Genome position (GRCh38, 1-based): chr20:58,840,708, C deleted; the last of 2 consecutive C bases (chr20:58,840,707-58,840,708); deleting either gives the same sequence. VCF-style (leftmost placement, unchanged base first): chr20-58840706-TC-T. GRCh37 (hg19) VCF-style: chr20-57415761-TC-T.
Other names: c.-136del (NM_001410912.1); short protein forms P201fs.
Identifiers: ClinVar variation 4978244 (VCV004978244.1).